The following is an entry in ClinVar:

NM_015488.5(PNKD):c.427G>C (p.Ala143Pro)

Genes: PNKD (PNKD metallo-beta-lactamase domain containing; plus strand), CATIP-AS2 (CATIP antisense RNA 2; minus strand). Cytogenetic location: 2q35.
Variant type: single nucleotide variant.
Coding change: c.427G>C on transcript NM_015488.5 (MANE Select); coding-DNA position 427, G replaced by C.
Protein change: p.Ala143Pro; replaces alanine 143 with proline.
Molecular consequence: missense variant.
Genome position (GRCh38, 1-based): chr2:218,340,103, G>C. VCF-style: chr2-218340103-G-C. GRCh37 (hg19) VCF-style: chr2-219204826-G-C.
Other names: c.355G>C, p.Ala119Pro (NM_022572.5); short protein forms A143P, A119P.
Identifiers: ClinVar variation 2726553 (VCV002726553.3), dbSNP rs754958157, ClinGen allele CA350538717.
Genomic context (GRCh38, chr2:218,340,103, plus strand): 5'-CCCATCCCTGTCCTCTCGGACAACTACAGCTACCTCATCATCGACACCCAGGCCCAGCTG[G>C]CTGTGGCTGTGGACCCTTCAGACCCTCGGGCTGTGCAGGTGAGGGGAGGGCAGGGAGCAG-3'
Protein context (NP_056303.3, residues 133-153): YLIIDTQAQL[Ala143Pro]VAVDPSDPRA

ClinVar aggregate classification (germline): Uncertain significance (1 of 4 stars; one submission).

Conditions:
Paroxysmal nonkinesigenic dyskinesia. Also called: Paroxysmal non-kinesigenic dyskinesia. Identifiers: Orphanet 98810, MedGen C1869117, MONDO:0700088.

gnomAD v4.1: 5 of 1,613,854 alleles (0.00031%); highest among the groups gnomAD compares: Non-Finnish European, 0.00034%; no homozygotes.

Submission:

Labcorp Genetics (formerly Invitae), Labcorp
Classification: Uncertain significance for Paroxysmal nonkinesigenic dyskinesia. Last evaluated: 2023-08-17. Review status: criteria provided, single submitter. Criteria: Invitae Variant Classification Sherloc (09022015). Collection method: clinical testing. Allele origin: germline.
Comment: Advanced modeling of protein sequence and biophysical properties (such as structural, functional, and spatial information, amino acid conservation, physicochemical variation, residue mobility, and thermodynamic stability) performed at Invitae indicates that this missense variant is expected to disrupt PNKD protein function. This variant has not been reported in the literature in individuals affected with PNKD-related conditions. This variant is not present in population databases (gnomAD no frequency). This sequence change replaces alanine, which is neutral and non-polar, with proline, which is neutral and non-polar, at codon 143 of the PNKD protein (p.Ala143Pro). In summary, the available evidence is currently insufficient to determine the role of this variant in disease. Therefore, it has been classified as a Variant of Uncertain Significance.